The following is an entry in ClinVar:

ClinVar aggregate classification (germline): Uncertain significance. Review status: criteria provided, multiple submitters, no conflicts (2 of 4 stars). 3 submissions from 3 submitters: Uncertain significance (3). Last evaluated 2025-08-24.

Conditions:
Inborn genetic diseases. Identifiers: MedGen C0950123, MeSH D030342.

Allele frequency attached by ClinVar (database versions not stated): ExAC 0.00001; gnomAD exomes 0.00001; gnomAD 0.00004; TOPMed 0.00004.
gnomAD v4.1: 22 of 1,614,050 alleles (0.0014%); highest among the groups gnomAD compares: East Asian, 0.0067%; no homozygotes.

Submissions (3):

Ambry Genetics
Classification: Uncertain significance for Inborn genetic diseases. Last evaluated: 2025-08-24. Review status: criteria provided, single submitter. Criteria: Ambry Variant Classification Scheme 2023. Collection method: clinical testing. Allele origin: germline.

Blueprint Genetics
Classification: Uncertain significance. Last evaluated: 2024-01-03. Review status: criteria provided, single submitter. Criteria: ACMG Guidelines, 2015. Collection method: clinical testing. Allele origin: germline.

Labcorp Genetics (formerly Invitae), Labcorp
Classification: Uncertain significance. Last evaluated: 2022-07-19. Review status: criteria provided, single submitter. Criteria: Invitae Variant Classification Sherloc (09022015). Collection method: clinical testing. Allele origin: germline.
Comment: This sequence change replaces glycine, which is neutral and non-polar, with arginine, which is basic and polar, at codon 252 of the PARS2 protein (p.Gly252Arg). This variant is present in population databases (rs768275963, gnomAD 0.005%). This variant has not been reported in the literature in individuals affected with PARS2-related conditions. ClinVar contains an entry for this variant (Variation ID: 1381027). Algorithms developed to predict the effect of missense changes on protein structure and function (SIFT, PolyPhen-2, Align-GVGD) all suggest that this variant is likely to be disruptive. Algorithms developed to predict the effect of sequence changes on RNA splicing suggest that this variant may create or strengthen a splice site. In summary, the available evidence is currently insufficient to determine the role of this variant in disease. Therefore, it has been classified as a Variant of Uncertain Significance.

NM_152268.4(PARS2):c.754G>A (p.Gly252Arg)

Gene: PARS2 (prolyl-tRNA synthetase 2, mitochondrial; minus strand). Cytogenetic location: 1p32.3.
Variant type: single nucleotide variant.
Coding change: c.754G>A on transcript NM_152268.4 (MANE Select); coding-DNA position 754, G replaced by A.
Protein change: p.Gly252Arg; replaces glycine 252 with arginine.
Molecular consequence: missense variant.
Genome position (GRCh38, 1-based): chr1:54,758,408, C>T on the plus strand (G>A on the coding strand, the complement: PARS2 is on the minus strand). VCF-style: chr1-54758408-C-T. GRCh37 (hg19) VCF-style: chr1-55224081-C-T.
Other names: c.754G>A (NM_152268.3); short protein forms G252R.
Identifiers: ClinVar variation 1381027 (VCV001381027.6), dbSNP rs768275963, ClinGen allele CA869417.
Genomic context (GRCh38, chr1:54,758,408, plus strand): 5'-TGGCAAGCCGGTCCTCTCCAATATCCACTGGGAGCTGGAACTCATGAGACACTGTGCCCC[C>T]GATGGTGCCCACATCGGCCTGGACCTTGACAAATGGCAGCCCTAGCTTGTTGAACAGGCT-3'
Protein context (NP_689481.2, residues 242-262): VKVQADVGTI[Gly252Arg]GTVSHEFQLP